The following is an entry in ClinVar:

NM_001128178.3(NPHP1):c.998G>A (p.Trp333Ter)

Gene: NPHP1 (nephrocystin 1; minus strand). Cytogenetic location: 2q13.
Variant type: single nucleotide variant.
Coding change: c.998G>A on transcript NM_001128178.3 (MANE Select); coding-DNA position 998, G replaced by A.
Protein change: p.Trp333Ter; replaces tryptophan 333 with a stop codon.
Molecular consequence: nonsense.
Genome position (GRCh38, 1-based): chr2:110,160,212, C>T on the plus strand (G>A on the coding strand, the complement: NPHP1 is on the minus strand). VCF-style: chr2-110160212-C-T. GRCh37 (hg19) VCF-style: chr2-110917789-C-T.
Other names: c.1166G>A, p.Trp389Ter (NM_000272.5); c.809G>A, p.Trp270Ter (NM_001128179.3); c.995G>A, p.Trp332Ter (NM_001374256.1); c.998G>A, p.Trp333Ter (NM_001374257.1); c.1163G>A, p.Trp388Ter (NM_207181.4); short protein forms W388*, W332*, W270*, W333*, W389*.
Identifiers: ClinVar variation 2817689 (VCV002817689.3), dbSNP rs2467333753, ClinGen allele CA348089710.

ClinVar aggregate classification (germline): Pathogenic (1 of 4 stars; one submission).

Conditions:
Nephronophthisis. Also called: Juvenile Nephronophthisis. Identifiers: Orphanet 655, MedGen C0687120, MONDO:0019005, HP:0000090.

Submission:

Labcorp Genetics (formerly Invitae), Labcorp
Classification: Pathogenic for Nephronophthisis. Last evaluated: 2024-05-23. Review status: criteria provided, single submitter. Criteria: Invitae Variant Classification Sherloc (09022015). Collection method: clinical testing. Allele origin: germline.
Comment: This sequence change creates a premature translational stop signal (p.Trp389*) in the NPHP1 gene. It is expected to result in an absent or disrupted protein product. Loss-of-function variants in NPHP1 are known to be pathogenic (PMID: 23559409). This variant is not present in population databases (gnomAD no frequency). This variant has not been reported in the literature in individuals affected with NPHP1-related conditions. For these reasons, this variant has been classified as Pathogenic.

Literature cited by the submitters: PubMed 23559409.